The following is an entry in ClinVar:

ClinVar aggregate classification (germline): Uncertain significance (1 of 4 stars; one submission).

Conditions:
Dilated cardiomyopathy 1G (CMD1G). Identifiers: Orphanet 154, MedGen C1858763, MONDO:0011400, OMIM 604145.
Autosomal recessive limb-girdle muscular dystrophy type 2J (LGMDR10). Also called: MUSCULAR DYSTROPHY, LIMB-GIRDLE, AUTOSOMAL RECESSIVE 10; Limb-girdle muscular dystrophy, type 2J. Identifiers: Orphanet 140922, MedGen C1837342, MONDO:0012127, OMIM 608807.

Allele frequency attached by ClinVar (database versions not stated): gnomAD 0.00001; TOPMed 0.00001.
gnomAD v4.1: 1 of 1,613,526 alleles (0.000062%); highest among the groups gnomAD compares: Admixed American, 0.0017%; no homozygotes.

Submission:

Labcorp Genetics (formerly Invitae), Labcorp
Classification: Uncertain significance for Dilated cardiomyopathy 1G; Autosomal recessive limb-girdle muscular dystrophy type 2J. Last evaluated: 2022-03-18. Review status: criteria provided, single submitter. Criteria: Invitae Variant Classification Sherloc (09022015). Collection method: clinical testing. Allele origin: germline.
Comment: This sequence change replaces histidine, which is basic and polar, with tyrosine, which is neutral and polar, at codon 33987 of the TTN protein (p.His33987Tyr). This variant is not present in population databases (gnomAD no frequency). This variant has not been reported in the literature in individuals affected with TTN-related conditions. Experimental studies and prediction algorithms are not available or were not evaluated, and the functional significance of this variant is currently unknown. This variant is located in the M band of TTN (PMID: 25589632). Variants in this region may be relevant for neuromuscular disorders, but have not been definitively shown to cause cardiomyopathy (PMID: 23975875). In summary, the available evidence is currently insufficient to determine the role of this variant in disease. Therefore, it has been classified as a Variant of Uncertain Significance.

Literature cited by the submitters: PubMed 25589632; PubMed 23975875.

NM_001267550.2(TTN):c.101959C>T (p.His33987Tyr)

Genes: TTN-AS1 (TTN antisense RNA 1; plus strand), TTN (titin; minus strand). Cytogenetic location: 2q31.2.
Variant type: single nucleotide variant.
Coding change: c.101959C>T on transcript NM_001267550.2 (MANE Select); coding-DNA position 101959, C replaced by T.
Protein change: p.His33987Tyr; replaces histidine 33987 with tyrosine.
Molecular consequence: missense variant.
Genome position (GRCh38, 1-based): chr2:178,534,656, G>A on the plus strand (C>T on the coding strand, the complement: TTN is on the minus strand). VCF-style: chr2-178534656-G-A. GRCh37 (hg19) VCF-style: chr2-179399383-G-A.
Other names: c.97036C>T, p.His32346Tyr (NM_001256850.1); c.74764C>T, p.His24922Tyr (NM_003319.4); c.94255C>T, p.His31419Tyr (NM_133378.4); c.75139C>T, p.His25047Tyr (NM_133432.3); c.75340C>T, p.His25114Tyr (NM_133437.4); short protein forms H24922Y, H25047Y, H25114Y, H31419Y, H32346Y, H33987Y.
Identifiers: ClinVar variation 2421357 (VCV002421357.8), dbSNP rs1690646810, ClinGen allele CA349418777.